The following is an entry in ClinVar:

ClinVar aggregate classification (germline): Pathogenic/Likely pathogenic. Review status: criteria provided, multiple submitters, no conflicts (2 of 4 stars). 2 submissions from 2 submitters: Pathogenic (1); Likely pathogenic (1). Last evaluated 2025-02-21.

Conditions:
Cardiovascular phenotype. Identifiers: MedGen CN230736.
Telangiectasia, hereditary hemorrhagic, type 2 (HHT2). Also called: ACVRL1-Related Hereditary Hemorrhagic Telangiectasia; Telangiectasia, hereditary hemorrhagic, type II. Identifiers: Orphanet 774, MedGen C1838163, MONDO:0010880, OMIM 600376. Disease mechanism: loss of function.

Submissions (2):

Ambry Genetics
Classification: Likely pathogenic for Cardiovascular phenotype. Last evaluated: 2025-02-21. Review status: criteria provided, single submitter. Criteria: Ambry Variant Classification Scheme 2023. Collection method: clinical testing. Allele origin: germline.
Comment: The p.P476L variant (also known as c.1427C>T), located in coding exon 9 of the ACVRL1 gene, results from a C to T substitution at nucleotide position 1427. The proline at codon 476 is replaced by leucine, an amino acid with similar properties. This variant was reported in individual(s) with features consistent with hereditary hemorrhagic telangiectasia (external communication; Ambry internal data). This amino acid position is highly conserved in available vertebrate species. In addition, this alteration is predicted to be deleterious by in silico analysis. This variant is considered to be rare based on population cohorts in the Genome Aggregation Database (gnomAD). Based on the majority of available evidence to date, this variant is likely to be pathogenic.

Labcorp Genetics (formerly Invitae), Labcorp
Classification: Pathogenic for Telangiectasia, hereditary hemorrhagic, type 2. Last evaluated: 2025-02-10. Review status: criteria provided, single submitter. Criteria: Invitae Variant Classification Sherloc (09022015). Collection method: clinical testing. Allele origin: germline.
Comment: This sequence change replaces proline, which is neutral and non-polar, with leucine, which is neutral and non-polar, at codon 476 of the ACVRL1 protein (p.Pro476Leu). This variant is not present in population databases (gnomAD no frequency). This missense change has been observed in individual(s) with hereditary hemorrhagic telangiectasia (internal data). ClinVar contains an entry for this variant (Variation ID: 854809). Invitae Evidence Modeling of protein sequence and biophysical properties (such as structural, functional, and spatial information, amino acid conservation, physicochemical variation, residue mobility, and thermodynamic stability) indicates that this missense variant is expected to disrupt ACVRL1 protein function with a positive predictive value of 95%. For these reasons, this variant has been classified as Pathogenic.

NM_000020.3(ACVRL1):c.1427C>T (p.Pro476Leu)

Gene: ACVRL1 (activin A receptor like type 1; plus strand). Cytogenetic location: 12q13.13.
Variant type: single nucleotide variant.
Coding change: c.1427C>T on transcript NM_000020.3 (MANE Select); coding-DNA position 1427, C replaced by T.
Protein change: p.Pro476Leu; replaces proline 476 with leucine.
Molecular consequence: missense variant.
Genome position (GRCh38, 1-based): chr12:51,920,808, C>T. VCF-style: chr12-51920808-C-T. GRCh37 (hg19) VCF-style: chr12-52314592-C-T.
Other names: c.1427C>T, p.Pro476Leu (NM_001077401.2); short protein forms P476L.
Identifiers: ClinVar variation 854809 (VCV000854809.10), dbSNP rs1940955941, ClinGen allele CA384905619.